The following is an entry in ClinVar:

NM_000222.3(KIT):c.1072A>G (p.Lys358Glu)

Gene: KIT (KIT proto-oncogene, receptor tyrosine kinase; plus strand). Cytogenetic location: 4q12.
Variant type: single nucleotide variant.
Coding change: c.1072A>G on transcript NM_000222.3 (MANE Select); coding-DNA position 1072, A replaced by G.
Protein change: p.Lys358Glu; replaces lysine 358 with glutamic acid.
Molecular consequence: missense variant.
Genome position (GRCh38, 1-based): chr4:54,707,244, A>G. VCF-style: chr4-54707244-A-G. GRCh37 (hg19) VCF-style: chr4-55573410-A-G.
Other names: c.1072A>G, p.Lys358Glu (NM_001093772.2, NM_001385285.1, NM_001385286.1); c.1075A>G, p.Lys359Glu (NM_001385284.1, NM_001385288.1, NM_001385290.1 and 1 more transcripts); short protein forms K358E, K359E.
Identifiers: ClinVar variation 2860573 (VCV002860573.3), dbSNP rs2475479084, ClinGen allele CA356901100.

ClinVar aggregate classification (germline): Uncertain significance (1 of 4 stars; one submission).

Conditions:
Gastrointestinal stromal tumor. Also called: Gastrointestinal stromal tumor, somatic; Gastrointestinal stroma tumor. Identifiers: Orphanet 44890, MedGen C0238198, MeSH D046152, MONDO:0011719, OMIM 606764, HP:0100723.

Submission:

Labcorp Genetics (formerly Invitae), Labcorp
Classification: Uncertain significance for Gastrointestinal stromal tumor. Last evaluated: 2023-11-02. Review status: criteria provided, single submitter. Criteria: Invitae Variant Classification Sherloc (09022015). Collection method: clinical testing. Allele origin: germline.
Comment: This sequence change replaces lysine, which is basic and polar, with glutamic acid, which is acidic and polar, at codon 358 of the KIT protein (p.Lys358Glu). This variant is not present in population databases (gnomAD no frequency). This variant has not been reported in the literature in individuals affected with KIT-related conditions. An algorithm developed to predict the effect of missense changes on protein structure and function (PolyPhen-2) suggests that this variant is likely to be tolerated. In summary, the available evidence is currently insufficient to determine the role of this variant in disease. Therefore, it has been classified as a Variant of Uncertain Significance.